The following is an entry in ClinVar:

ClinVar aggregate classification (germline): Uncertain significance (1 of 4 stars; one submission).

Conditions:
Glycogen storage disease, type II (IOPD). Also called: Glycogen storage disease type 2; Acid maltase deficiency disease; Aglucosidase alfa; Deficiency of alpha-glucosidase; Deficiency of lysosomal alpha-glucosidase; Glucosidase acid-1,4-alpha deficiency. Identifiers: Orphanet 365, MedGen C0017921, MONDO:0009290, OMIM 232300.

Allele frequency attached by ClinVar (database versions not stated): TOPMed below 0.00001; gnomAD 0.00001.
gnomAD v4.1: 1 of 1,613,626 alleles (0.000062%); highest among the groups gnomAD compares: Non-Finnish European, 0.000085%; no homozygotes.

Submission:

Labcorp Genetics (formerly Invitae), Labcorp
Classification: Uncertain significance for Glycogen storage disease, type II. Last evaluated: 2022-07-29. Review status: criteria provided, single submitter. Criteria: Invitae Variant Classification Sherloc (09022015). Collection method: clinical testing. Allele origin: germline.
Comment: In summary, the available evidence is currently insufficient to determine the role of this variant in disease. Therefore, it has been classified as a Variant of Uncertain Significance. Algorithms developed to predict the effect of sequence changes on RNA splicing suggest that this variant may create or strengthen a splice site. Algorithms developed to predict the effect of missense changes on protein structure and function are either unavailable or do not agree on the potential impact of this missense change (SIFT: "Deleterious"; PolyPhen-2: "Probably Damaging"; Align-GVGD: "Class C15"). This variant has not been reported in the literature in individuals affected with GAA-related conditions. This variant is not present in population databases (gnomAD no frequency). This sequence change replaces valine, which is neutral and non-polar, with glutamic acid, which is acidic and polar, at codon 480 of the GAA protein (p.Val480Glu).

NM_000152.5(GAA):c.1439T>A (p.Val480Glu)

Gene: GAA (alpha glucosidase; plus strand). Cytogenetic location: 17q25.3.
Variant type: single nucleotide variant.
Coding change: c.1439T>A on transcript NM_000152.5 (MANE Select); coding-DNA position 1439, T replaced by A.
Protein change: p.Val480Glu; replaces valine 480 with glutamic acid.
Molecular consequence: missense variant.
Genome position (GRCh38, 1-based): chr17:80,110,728, T>A. VCF-style: chr17-80110728-T-A. GRCh37 (hg19) VCF-style: chr17-78084527-T-A.
Other names: c.1439T>A, p.Val480Glu (NM_001079803.3, NM_001079804.3, NM_001406741.1 and 1 more transcripts); short protein forms V480E.
Identifiers: ClinVar variation 1714144 (VCV001714144.6), dbSNP rs1224298513, ClinGen allele CA401366766.